The following is an entry in ClinVar:

NM_002230.4(JUP):c.1492G>A (p.Val498Ile)

Gene: JUP (junction plakoglobin; minus strand). Cytogenetic location: 17q21.2.
Variant type: single nucleotide variant.
Coding change: c.1492G>A on transcript NM_002230.4 (MANE Select); coding-DNA position 1492, G replaced by A.
Protein change: p.Val498Ile; replaces valine 498 with isoleucine.
Molecular consequence: missense variant.
Genome position (GRCh38, 1-based): chr17:41,762,988, C>T on the plus strand (G>A on the coding strand, the complement: JUP is on the minus strand). VCF-style: chr17-41762988-C-T. GRCh37 (hg19) VCF-style: chr17-39919240-C-T.
Other names: c.1492G>A, p.Val498Ile (NM_001352773.2, NM_001352774.2, NM_001352775.2 and 3 more transcripts); short protein forms V498I.
Identifiers: ClinVar variation 3287294 (VCV003287294.1).
Genomic context (GRCh38, chr17:41,762,988, plus strand): 5'-ATACAGCACCTAAGCCTGCTGCAGGGAGCTCCTTCCCCTCGCCTAACAGCAGTACCTTGA[C>T]CAGTGGCCACTGGTTGGGCTGGTTGAGCAGCTTCACGATGGCTGGGATGCCATAGTTGAG-3'
Protein context (NP_002221.1, residues 488-508): LLNQPNQWPL[Val498Ile]KATIGLIRNL

ClinVar aggregate classification (germline): Uncertain significance (1 of 4 stars; one submission).

Conditions:
Cardiovascular phenotype. Identifiers: MedGen CN230736.

gnomAD v4.1: 2 of 1,613,908 alleles (0.00012%); highest among the groups gnomAD compares: South Asian, 0.0011%; no homozygotes.

Submission:

Ambry Genetics
Classification: Uncertain significance for Cardiovascular phenotype. Last evaluated: 2024-06-09. Review status: criteria provided, single submitter. Criteria: Ambry Variant Classification Scheme 2023. Collection method: clinical testing. Allele origin: germline.
Comment: The p.V498I variant (also known as c.1492G>A), located in coding exon 7 of the JUP gene, results from a G to A substitution at nucleotide position 1492. The valine at codon 498 is replaced by isoleucine, an amino acid with highly similar properties. This amino acid position is conserved. In addition, this alteration is predicted to be tolerated by in silico analysis. Based on the available evidence, the clinical significance of this variant remains unclear.